The following is an entry in ClinVar:

ClinVar aggregate classification (germline): Conflicting classifications of pathogenicity. Review status: criteria provided, conflicting classifications (1 of 4 stars). 3 submissions from 3 submitters: Uncertain significance (2); Likely benign (1). Last evaluated 2024-05-28.

Allele frequency attached by ClinVar (database versions not stated): gnomAD exomes below 0.00001.

Submissions (3):

Blueprint Genetics
Classification: Likely benign. Last evaluated: 2024-05-28. Review status: criteria provided, single submitter. Criteria: ACMG Guidelines, 2015. Collection method: clinical testing. Allele origin: germline.

Athena Diagnostics
Classification: Uncertain significance. Last evaluated: 2020-08-12. Review status: criteria provided, single submitter. Criteria: Athena Diagnostics Criteria. Collection method: clinical testing. Allele origin: unknown.

Quest Diagnostics Nichols Institute San Juan Capistrano
Classification: Uncertain significance. Last evaluated: 2020-08-12. Review status: criteria provided, single submitter. Criteria: Quest Diagnostics criteria. Collection method: clinical testing. Allele origin: unknown.
Comment: To the best of our knowledge, the variant has not been reported in the published literature. It also has not been reported in large, multi-ethnic general populations. Analysis of this variant using software algorithms for the prediction of the effect of nucleotide changes on splicing yielded predictions that this variant does not affect CYP21A2 mRNA splicing . Based on the available information, we are unable to determine the clinical significance of this variant.

NM_000500.9(CYP21A2):c.489G>A (p.Glu163=)

Genes: CYP21A2 (cytochrome P450 family 21 subfamily A member 2; plus strand), LOC106780800 (CYP21A2 recombination region; plus strand). Cytogenetic location: 6p21.33.
Variant type: single nucleotide variant.
Coding change: c.489G>A on transcript NM_000500.9 (MANE Select); coding-DNA position 489, G replaced by A.
Protein change: p.Glu163=; no amino-acid change (glutamic acid 163 retained).
Molecular consequence: synonymous variant.
Genome position (GRCh38, 1-based): chr6:32,039,397, G>A. VCF-style: chr6-32039397-G-A. GRCh37 (hg19) VCF-style: chr6-32007174-G-A.
Other names: c.399G>A, p.Glu133= (NM_001128590.4); c.84G>A, p.Glu28= (NM_001368143.2, NM_001368144.2).
Identifiers: ClinVar variation 995352 (VCV000995352.3), dbSNP rs1776090800, ClinGen allele CA449818631.